The following is an entry in ClinVar:

ClinVar aggregate classification (germline): Benign. Review status: criteria provided, multiple submitters, no conflicts (2 of 4 stars). 5 submissions from 5 submitters: Benign (4). 1 of the submissions does not count toward it. Last evaluated 2026-01-12.

Conditions:
SYNE2-related disorder. Also called: SYNE2-related condition.
Emery-Dreifuss muscular dystrophy 5, autosomal dominant (EDMD5). Also called: EMERY-DREIFUSS MUSCULAR DYSTROPHY 5. Identifiers: Orphanet 261, MedGen C2751805, MONDO:0013072, OMIM 612999.

Allele frequency attached by ClinVar (database versions not stated): gnomAD exomes 0.00039; ExAC 0.00049; ESP Exome Variant Server 0.00133; gnomAD 0.00172 and 0.00178; TOPMed 0.00186; 1000 Genomes Project 30x 0.00281; 1000 Genomes Project 0.00300.
gnomAD v4.1: 515 of 1,613,890 alleles (0.032%); highest among the groups gnomAD compares: African/African-American, 0.62%; 2 homozygotes.

Submissions (5):

Labcorp Genetics (formerly Invitae), Labcorp
Classification: Benign for Emery-Dreifuss muscular dystrophy 5, autosomal dominant. Last evaluated: 2026-01-12. Review status: criteria provided, single submitter. Criteria: Invitae Variant Classification Sherloc (09022015). Collection method: clinical testing. Allele origin: germline.

Athena Diagnostics
Classification: Benign. Last evaluated: 2024-04-15. Review status: criteria provided, single submitter. Criteria: Athena Diagnostics Criteria. Collection method: clinical testing. Allele origin: unknown.

Illumina Laboratory Services, Illumina
Classification: Benign for Emery-Dreifuss muscular dystrophy 5, autosomal dominant. Last evaluated: 2018-01-13. Review status: criteria provided, single submitter. Criteria: ICSL Variant Classification Criteria 13 December 2019. Collection method: clinical testing. Allele origin: germline.
Comment: This variant was observed in the ICSL laboratory as part of a predisposition screen in an ostensibly healthy population. It had not been previously curated by ICSL or reported in the Human Gene Mutation Database (HGMD: prior to June 1st, 2018), and was therefore a candidate for classification through an automated scoring system. Utilizing variant allele frequency, disease prevalence and penetrance estimates, and inheritance mode, an automated score was calculated to assess if this variant is too frequent to cause the disease. Based on the score and internal cut-off values, a variant classified as benign is not then subjected to further curation. The score for this variant resulted in a classification of benign for this disease.

Eurofins Ntd Llc (ga)
Classification: Benign. Last evaluated: 2015-10-08. Review status: criteria provided, single submitter. Criteria: EGL Classification Definitions 2015. Collection method: clinical testing. Allele origin: germline. Observed: 1 variant allele, 1 heterozygote.

PreventionGenetics, part of Exact Sciences
Classification: Benign for SYNE2-related condition. Last evaluated: 2019-03-19. Review status: no assertion criteria provided. Collection method: clinical testing. Allele origin: germline. Not counted in ClinVar's aggregate classification.
Comment: This variant is classified as benign based on ACMG/AMP sequence variant interpretation guidelines (Richards et al. 2015 PMID: 25741868, with internal and published modifications).

NM_182914.3(SYNE2):c.8041G>A (p.Val2681Ile)

Gene: SYNE2 (spectrin repeat containing nuclear envelope protein 2; plus strand). Cytogenetic location: 14q23.2.
Variant type: single nucleotide variant.
Coding change: c.8041G>A on transcript NM_182914.3 (MANE Select); coding-DNA position 8041, G replaced by A.
Protein change: p.Val2681Ile; replaces valine 2681 with isoleucine.
Molecular consequence: missense variant.
Genome position (GRCh38, 1-based): chr14:64,051,954, G>A. VCF-style: chr14-64051954-G-A. GRCh37 (hg19) VCF-style: chr14-64518672-G-A.
Other names: c.8041G>A, p.Val2681Ile (NM_015180.6); short protein forms V2681I.
Identifiers: ClinVar variation 283621 (VCV000283621.22), dbSNP rs150946074, ClinGen allele CA7221055.